The following is an entry in ClinVar:

NM_020884.7(MYH7B):c.4130A>G (p.Gln1377Arg)

Gene: MYH7B (myosin heavy chain 7B; plus strand). Cytogenetic location: 20q11.22.
Variant type: single nucleotide variant.
Coding change: c.4130A>G on transcript NM_020884.7 (MANE Select); coding-DNA position 4130, A replaced by G.
Protein change: p.Gln1377Arg; replaces glutamine 1377 with arginine.
Molecular consequence: missense variant.
Genome position (GRCh38, 1-based): chr20:34,998,855, A>G. VCF-style: chr20-34998855-A-G. GRCh37 (hg19) VCF-style: chr20-33586658-A-G.
Other names: short protein forms Q1377R.
Identifiers: ClinVar variation 2259071 (VCV002259071.3), dbSNP rs1417392163, ClinGen allele CA408714194.

ClinVar aggregate classification (germline): Uncertain significance. Review status: criteria provided, multiple submitters, no conflicts (2 of 4 stars). 2 submissions from 2 submitters: Uncertain significance (2). Last evaluated 2025-12-18.

Allele frequency attached by ClinVar (database versions not stated): gnomAD exomes below 0.00001; gnomAD 0.00001; TOPMed 0.00001.
gnomAD v4.1: 8 of 1,613,156 alleles (0.0005%); highest among the groups gnomAD compares: Non-Finnish European, 0.00068%; no homozygotes.

Submissions (2):

Labcorp Genetics (formerly Invitae), Labcorp
Classification: Uncertain significance. Last evaluated: 2025-12-18. Review status: criteria provided, single submitter. Criteria: Invitae Variant Classification Sherloc (09022015). Collection method: clinical testing. Allele origin: germline.
Comment: This sequence change replaces glutamine, which is neutral and polar, with arginine, which is basic and polar, at codon 1419 of the MYH7B protein (p.Gln1419Arg). This variant is present in population databases (no rsID available, gnomAD 0.002%). This variant has not been reported in the literature in individuals affected with MYH7B-related conditions. ClinVar contains an entry for this variant (Variation ID: 2259071). Invitae Evidence Modeling of protein sequence and biophysical properties (such as structural, functional, and spatial information, amino acid conservation, physicochemical variation, residue mobility, and thermodynamic stability) indicates that this missense variant is not expected to disrupt MYH7B protein function with a negative predictive value of 80%. In summary, the available evidence is currently insufficient to determine the role of this variant in disease. Therefore, it has been classified as a Variant of Uncertain Significance.

Ambry Genetics
Classification: Uncertain significance. Last evaluated: 2021-11-08. Review status: criteria provided, single submitter. Criteria: Ambry Variant Classification Scheme 2023. Collection method: clinical testing. Allele origin: germline.